The following is an entry in ClinVar:

NM_017534.6(MYH2):c.4842del (p.Asn1615fs)

Genes: MYHAS (myosin heavy chain gene cluster antisense RNA; plus strand), MYH2 (myosin heavy chain 2; minus strand), LOC126862500 (BRD4-independent group 4 enhancer GRCh37_chr17:10427829-10429028; plus strand). Cytogenetic location: 17p13.1.
Variant type: Deletion.
Coding change: c.4842del on transcript NM_017534.6 (MANE Select); coding-DNA position 4842, one base deleted (G; older notation c.4842delG).
Protein change: p.Asn1615fs; shifts the reading frame from asparagine 1615.
Molecular consequence: frameshift variant.
Genome position (GRCh38, 1-based): chr17:10,524,886, C deleted on the plus strand (G on the coding strand, the reverse complement: MYH2 is on the minus strand); the first of 2 consecutive C bases (chr17:10,524,886-10,524,887); deleting either gives the same sequence. VCF-style (leftmost placement, unchanged base first): chr17-10524885-TC-T. GRCh37 (hg19) VCF-style: chr17-10428202-TC-T.
Other names: c.4842del, p.Asn1615fs (NM_001100112.2); short protein forms N1615fs.
Identifiers: ClinVar variation 1424105 (VCV001424105.6), dbSNP rs2073330917, ClinGen allele CA2247275770.

ClinVar aggregate classification (germline): Pathogenic (1 of 4 stars; one submission).

Conditions:
Myopathy, proximal, and ophthalmoplegia (CMYO6). Also called: INCLUSION BODY MYOPATHY 3, AUTOSOMAL DOMINANT; MYOPATHY WITH CONGENITAL JOINT CONTRACTURES, OPHTHALMOPLEGIA, AND RIMMED VACUOLES; CONGENITAL MYOPATHY 6 WITH OPHTHALMOPLEGIA. Identifiers: Orphanet 363677, Orphanet 79091, MedGen C1854106, MONDO:0011577, OMIM 605637.

Submission:

Labcorp Genetics (formerly Invitae), Labcorp
Classification: Pathogenic for Myopathy, proximal, and ophthalmoplegia. Last evaluated: 2023-05-23. Review status: criteria provided, single submitter. Criteria: Invitae Variant Classification Sherloc (09022015). Collection method: clinical testing. Allele origin: germline.
Comment: For these reasons, this variant has been classified as Pathogenic. ClinVar contains an entry for this variant (Variation ID: 1424105). This variant has not been reported in the literature in individuals affected with MYH2-related conditions. This variant is not present in population databases (gnomAD no frequency). This sequence change creates a premature translational stop signal (p.Asn1615Metfs*21) in the MYH2 gene. It is expected to result in an absent or disrupted protein product. Loss-of-function variants in MYH2 are known to be pathogenic (PMID: 20418530, 23388406, 24193343).

Literature cited by the submitters: PubMed 20418530; PubMed 23388406; PubMed 24193343.